The following is an entry in ClinVar:

ClinVar aggregate classification (germline): Uncertain significance (1 of 4 stars; one submission).

Submission:

Labcorp Genetics (formerly Invitae), Labcorp
Classification: Uncertain significance. Last evaluated: 2021-04-19. Review status: criteria provided, single submitter. Criteria: Invitae Variant Classification Sherloc (09022015). Collection method: clinical testing. Allele origin: germline.
Comment: In summary, the available evidence is currently insufficient to determine the role of this variant in disease. Therefore, it has been classified as a Variant of Uncertain Significance. Algorithms developed to predict the effect of missense changes on protein structure and function are either unavailable or do not agree on the potential impact of this missense change (SIFT: "Tolerated"; PolyPhen-2: "Not Available"; Align-GVGD: "Class C0"). This sequence change replaces proline with serine at codon 31 of the SMARCD2 protein (p.Pro31Ser). The proline residue is weakly conserved and there is a moderate physicochemical difference between proline and serine. The frequency data for this variant in the population databases is considered unreliable, as metrics indicate insufficient coverage at this position in the ExAC database. This variant has not been reported in the literature in individuals with SMARCD2-related conditions.

NM_001098426.2(SMARCD2):c.91C>T (p.Pro31Ser)

Genes: SMARCD2 (SWI/SNF related BAF chromatin remodeling complex subunit D2; minus strand), LOC130061409 (ATAC-STARR-seq lymphoblastoid silent region 8832; plus strand). Cytogenetic location: 17q23.3.
Variant type: single nucleotide variant.
Coding change: c.91C>T on transcript NM_001098426.2 (MANE Select); coding-DNA position 91, C replaced by T.
Protein change: p.Pro31Ser; replaces proline 31 with serine.
Molecular consequence: missense variant.
Genome position (GRCh38, 1-based): chr17:63,842,584, G>A on the plus strand (C>T on the coding strand, the complement: SMARCD2 is on the minus strand). VCF-style: chr17-63842584-G-A. GRCh37 (hg19) VCF-style: chr17-61919944-G-A.
Other names: short protein forms P31S.
Identifiers: ClinVar variation 1359291 (VCV001359291.7), dbSNP rs1904514729, ClinGen allele CA400602245.